The following is an entry in ClinVar:

NM_174936.4(PCSK9):c.800-7C>T

Gene: PCSK9 (proprotein convertase subtilisin/kexin type 9; plus strand). Cytogenetic location: 1p32.3.
Variant type: single nucleotide variant.
Coding change: c.800-7C>T on transcript NM_174936.4 (MANE Select); 7 bases into the intron before coding-DNA position 800, C replaced by T.
Molecular consequence: intron variant.
Genome position (GRCh38, 1-based): chr1:55,055,986, C>T. VCF-style: chr1-55055986-C-T. GRCh37 (hg19) VCF-style: chr1-55521659-C-T.
Other names: c.425-7C>T (NM_001407246.1); c.923-7C>T (NM_001407240.1); c.803-7C>T (NM_001407242.1); c.800-7C>T (NM_001407241.1, NM_001407244.1, NM_001407247.1); c.743-7C>T (NM_001407243.1); c.608-7C>T (NM_001407245.1).
Identifiers: ClinVar variation 3071527 (VCV003071527.1), dbSNP rs1161007432, ClinGen allele CA736999434.

ClinVar aggregate classification (germline): Likely benign (1 of 4 stars; one submission).

Conditions:
Hypercholesterolemia, autosomal dominant, 3 (FHCL3). Also called: Familial Hypercholesterolemia, Autosomal Dominant, 3; PCSK9-Related Familial Hypercholesterolemia, Autosomal Dominant; Familial hypercholesterolemia 3. Identifiers: MedGen C1863551, MONDO:0011369, OMIM 603776.

Allele frequency attached by ClinVar (database versions not stated): TOPMed below 0.00001; gnomAD 0.00001.
gnomAD v4.1: 1 of 1,605,318 alleles (0.000062%); highest among the groups gnomAD compares: Non-Finnish European, 0.000085%; no homozygotes.

Submission:

All of Us Research Program, National Institutes of Health
Classification: Likely benign for Hypercholesterolemia, autosomal dominant, 3. Last evaluated: 2023-06-08. Review status: criteria provided, single submitter. Criteria: ACMG Guidelines, 2015. Collection method: clinical testing. Allele origin: germline. Inheritance: Autosomal dominant inheritance. Observed: 1 variant allele, 1 heterozygote.
Comment: This study involves interpretation of variants in research participants for the purpose of population health screening. Participant phenotype was not available at the time of variant classification. Additional details can be found in publication PMID: 35346344, PMCID: PMC8962531